The following is an entry in ClinVar:

ClinVar aggregate classification (germline): Pathogenic. Review status: criteria provided, multiple submitters, no conflicts (2 of 4 stars). 3 submissions from 3 submitters: Pathogenic (2). 1 of the submissions does not count toward it. Last evaluated 2025-12-19.

Conditions:
Landau-Kleffner syndrome (FESD). Also called: EPILEPSY, FOCAL, WITH SPEECH DISORDER AND WITH OR WITHOUT MENTAL RETARDATION; APHASIA, ACQUIRED, WITH EPILEPSY. Identifiers: Orphanet 1945, Orphanet 725, Orphanet 98818, MedGen C0282512, MONDO:0009509, OMIM 245570.
Self-limited epilepsy with centrotemporal spikes. Also called: Rolandic epilepsy; Childhood epilepsy with centrotemporal spikes. Identifiers: Orphanet 1945, MedGen C0376532, MONDO:0007295.
GRIN2A-Related Disorders. Identifiers: MedGen CN381066.

Submissions (3):

Rady Children's Institute for Genomic Medicine, Rady Children's Hospital San Diego
Classification: Pathogenic for GRIN2A-related disorders. Last evaluated: 2025-12-19. Review status: criteria provided, single submitter. Criteria: ACMG Guidelines, 2015. Collection method: clinical testing. Allele origin: germline. Affected: yes.
Comment: This variant affects the canonical splice donor site of intron 3 of 12 and is therefore predicted to interfere with splicing and result in loss of normal protein function through either protein truncation or nonsense-mediated mRNA decay. The GRIN2A gene is constrained against loss-of-function variation (pLI = 1), and loss-of-function variants have been previously described in individuals with GRIN2A-related disorders, typically in association with milder clinical presentation (PMID: 27683935). This variant has been previously reported as a heterozygous change in patients with idiopathic focal epilepsy (PMID: 23933819). The c.1007+1G>T variant is absent from the latest version of the gnomAD population database and thus is presumed to be rare. Based on the available evidence, c.1007+1G>T is classified as Pathogenic.

Labcorp Genetics (formerly Invitae), Labcorp
Classification: Pathogenic for Landau-Kleffner syndrome. Last evaluated: 2023-10-14. Review status: criteria provided, single submitter. Criteria: Invitae Variant Classification Sherloc (09022015). Collection method: clinical testing. Allele origin: germline.
Comment: This sequence change affects a donor splice site in intron 4 of the GRIN2A gene. It is expected to disrupt RNA splicing. Variants that disrupt the donor or acceptor splice site typically lead to a loss of protein function (PMID: 16199547), and loss-of-function variants in GRIN2A are known to be pathogenic (PMID: 23933819, 23933820). This variant is not present in population databases (gnomAD no frequency). Disruption of this splice site has been observed in individuals with clinical features of GRIN2A-related conditions (PMID: 23933819). ClinVar contains an entry for this variant (Variation ID: 433128). Algorithms developed to predict the effect of sequence changes on RNA splicing suggest that this variant may disrupt the consensus splice site. For these reasons, this variant has been classified as Pathogenic.

Bioinformatics Core, Luxembourg Center for Systems Biomedicine
Classification: Pathogenic for Self-limited epilepsy with centrotemporal spikes. Last evaluated: 2017-01-01. Review status: no assertion criteria provided. Collection method: case-control. Allele origin: germline. Affected: yes. Study: EUROEPINOMICS COGIE. Not counted in ClinVar's aggregate classification.

Literature cited by the submitters: PubMed 27683935 (cited by Rady Children's Institute for Genomic Medicine, Rady Children's Hospital San Diego); PubMed 23933819 (cited by Rady Children's Institute for Genomic Medicine, Rady Children's Hospital San Diego and Labcorp Genetics (formerly Invitae), Labcorp); PubMed 16199547 (cited by Labcorp Genetics (formerly Invitae), Labcorp); PubMed 23933820 (cited by Labcorp Genetics (formerly Invitae), Labcorp); PubMed 29358611 (cited by Bioinformatics Core, Luxembourg Center for Systems Biomedicine).

NM_001134407.3(GRIN2A):c.1007+1G>T

Gene: GRIN2A (glutamate ionotropic receptor NMDA type subunit 2A; minus strand). Cytogenetic location: 16p13.2.
Variant type: single nucleotide variant.
Coding change: c.1007+1G>T on transcript NM_001134407.3 (MANE Select); the canonical splice donor site of the intron after coding-DNA position 1007, G replaced by T.
Molecular consequence: splice donor variant.
Genome position (GRCh38, 1-based): chr16:9,937,958, C>A on the plus strand (G>T on the coding strand, the complement: GRIN2A is on the minus strand). VCF-style: chr16-9937958-C-A. GRCh37 (hg19) VCF-style: chr16-10031815-C-A.
Other names: c.1007+1G>T (NM_001134408.2, NM_000833.5).
Identifiers: ClinVar variation 433128 (VCV000433128.5), dbSNP rs397518465, ClinGen allele CA394798022.